The following is an entry in ClinVar:

NM_005961.3(MUC6):c.6564G>A (p.Thr2188=)

Gene: MUC6 (mucin 6, oligomeric mucus/gel-forming (gene/pseudogene); minus strand). Cytogenetic location: 11p15.5.
Variant type: single nucleotide variant.
Coding change: c.6564G>A on transcript NM_005961.3 (MANE Select); coding-DNA position 6564, G replaced by A.
Protein change: p.Thr2188=; no amino-acid change (threonine 2188 retained).
Molecular consequence: synonymous variant.
Genome position (GRCh38, 1-based): chr11:1,016,237, C>T on the plus strand (G>A on the coding strand, the complement: MUC6 is on the minus strand). VCF-style: chr11-1016237-C-T. GRCh37 (hg19) VCF-style: chr11-1016237-C-T.
Identifiers: ClinVar variation 2672428 (VCV002672428.23), dbSNP rs371036032, ClinGen allele CA5794952.
Genomic context (GRCh38, chr11:1,016,237, plus strand): 5'-AATGGTAGTAGAGGCAGCTGGAGAAGAAGGAAAAAGAGGAGATGCAGACACTGATGCAGT[C>T]GTGGGATGAGTGGACAATGAGGAGTGTGACCCCGAGCTCAGGGTTGTGGAGTGCACGGGG-3'
Protein context (NP_005952.2, residues 2178-2198): GSHSSLSTHP[Thr2188=]TASVSASPLF

ClinVar aggregate classification (germline): Likely benign (1 of 4 stars; one submission).

Allele frequency attached by ClinVar (database versions not stated): ExAC 0.00007; ESP Exome Variant Server 0.00008; gnomAD 0.00009; TOPMed 0.00012; 1000 Genomes Project 30x 0.00016; 1000 Genomes Project 0.00020.
gnomAD v4.1: 135 of 1,612,970 alleles (0.0084%); highest among the groups gnomAD compares: East Asian, 0.22%; no homozygotes.

Submission:

CeGaT Center for Human Genetics Tuebingen
Classification: Likely benign. Last evaluated: 2023-11-01. Review status: criteria provided, single submitter. Criteria: CeGaT Center For Human Genetics Tuebingen Variant Classification Criteria Version 2. Collection method: clinical testing. Allele origin: germline. Affected: yes. Observed: 1 variant allele.
Comment: MUC6: BP4, BP7